The following is an entry in ClinVar:

Conditions:
Breast-ovarian cancer, familial, susceptibility to, 1 (BROVCA1). Also called: BRCA1 Hereditary Breast and Ovarian Cancer; OVARIAN CANCER, SUSCEPTIBILITY TO. Identifiers: Orphanet 145, MedGen C2676676, MONDO:0011450, OMIM 604370. Disease mechanism: loss of function.

Submission:

Brotman Baty Institute, University of Washington
No classification provided (evidence only). Condition: Breast-ovarian cancer, familial 1. Review status: no classification provided. Collection method: in vitro. Allele origin: not applicable. Functional consequence: function_uncertain_variant.
ClinVar note: "not provided" was previously submitted as the classification for the variant. However, the classification appeared to be based only on an observation of functional data so it was converted to no classification on 2025-07-30.

NM_007294.4(BRCA1):c.90G>T (p.Leu30Phe)

Gene: BRCA1 (BRCA1 DNA repair associated; minus strand). Cytogenetic location: 17q21.31.
Variant type: single nucleotide variant.
Coding change: c.90G>T on transcript NM_007294.4 (MANE Select); coding-DNA position 90, G replaced by T.
Protein change: p.Leu30Phe; replaces leucine 30 with phenylalanine.
Molecular consequence: missense variant. On other transcripts: non-coding transcript variant (1), intron variant (1).
Genome position (GRCh38, 1-based): chr17:43,115,770, C>A on the plus strand (G>T on the coding strand, the complement: BRCA1 is on the minus strand). VCF-style: chr17-43115770-C-A. GRCh37 (hg19) VCF-style: chr17-41267787-C-A.
Other names: c.-99G>T (NM_001407571.1, NM_001407879.1, NM_001407882.1 and 52 more transcripts); c.90G>T, p.Leu30Phe (NM_001407581.1, NM_001407582.1, NM_001407583.1 and 192 more transcripts); c.-168G>T (NM_001407694.1, NM_001407696.1, NM_001407724.1 and 13 more transcripts); c.-172G>T (NM_001407695.1, NM_001408465.1); c.-52G>T (NM_001407697.1, NM_001407725.1, NM_001407728.1 and 47 more transcripts); c.-215G>T (NM_001407889.1, NM_001407900.1, NM_001408492.1); c.-214G>T (NM_001407960.1, NM_001407962.1, NM_001408510.1 and 1 more transcripts); c.-330G>T (NM_001407965.1); and 2 more; short protein forms L30F.
Identifiers: ClinVar variation 867473 (VCV000867473.3), dbSNP rs2055260326, ClinGen allele CA10601974.